The following is an entry in ClinVar:

ClinVar aggregate classification (germline): Uncertain significance (1 of 4 stars; one submission).

Conditions:
Severe combined immunodeficiency due to DNA-PKcs deficiency. Also called: Immunodeficiency 26 with or without neurologic abnormalities; IMMUNODEFICIENCY 26 WITH NEUROLOGIC ABNORMALITIES. Identifiers: Orphanet 317425, MedGen C4014833, MONDO:0014423, OMIM 615966.

Submission:

Labcorp Genetics (formerly Invitae), Labcorp
Classification: Uncertain significance for Severe combined immunodeficiency due to DNA-PKcs deficiency. Last evaluated: 2022-10-17. Review status: criteria provided, single submitter. Criteria: Invitae Variant Classification Sherloc (09022015). Collection method: clinical testing. Allele origin: germline.
Comment: In summary, the available evidence is currently insufficient to determine the role of this variant in disease. Therefore, it has been classified as a Variant of Uncertain Significance. Advanced modeling of protein sequence and biophysical properties (such as structural, functional, and spatial information, amino acid conservation, physicochemical variation, residue mobility, and thermodynamic stability) performed at Invitae indicates that this missense variant is expected to disrupt PRKDC protein function. This variant has not been reported in the literature in individuals affected with PRKDC-related conditions. This variant is not present in population databases (gnomAD no frequency). This sequence change replaces histidine, which is basic and polar, with proline, which is neutral and non-polar, at codon 3263 of the PRKDC protein (p.His3263Pro).

NM_006904.7(PRKDC):c.9788A>C (p.His3263Pro)

Gene: PRKDC (protein kinase, DNA-activated, catalytic subunit; minus strand). Cytogenetic location: 8q11.21.
Variant type: single nucleotide variant.
Coding change: c.9788A>C on transcript NM_006904.7 (MANE Select); coding-DNA position 9788, A replaced by C.
Protein change: p.His3263Pro; replaces histidine 3263 with proline.
Molecular consequence: missense variant.
Genome position (GRCh38, 1-based): chr8:47,803,440, T>G on the plus strand (A>C on the coding strand, the complement: PRKDC is on the minus strand). VCF-style: chr8-47803440-T-G. GRCh37 (hg19) VCF-style: chr8-48716001-T-G.
Other names: c.9788A>C, p.His3263Pro (NM_001081640.2); short protein forms H3263P.
Identifiers: ClinVar variation 2008432 (VCV002008432.4), dbSNP rs1197823539, ClinGen allele CA371136844.
Genomic context (GRCh38, chr8:47,803,440, plus strand): 5'-AGGCGGCAGTAGCTCTGCACCCAGCTCACCAGCCAATCGTCTCTGGTTTTTGACTCTTTA[T>G]GCAGCTCCTTCAGTAGTTTCATAGCAAGTGAGAAATTGTTCTGTATGAATACAATAAAAA-3'
Protein context (NP_008835.5, residues 3253-3273): SLAMKLLKEL[His3263Pro]KESKTRDDWL